The following is an entry in ClinVar:

NM_205850.3(SLC24A5):c.941T>C (p.Ile314Thr)

Genes: MYEF2 (myelin expression factor 2; minus strand), SLC24A5 (solute carrier family 24 member 5; plus strand). Cytogenetic location: 15q21.1.
Variant type: single nucleotide variant.
Coding change: c.941T>C on transcript NM_205850.3 (MANE Select); coding-DNA position 941, T replaced by C.
Protein change: p.Ile314Thr; replaces isoleucine 314 with threonine.
Molecular consequence: missense variant. On other transcripts: 3 prime UTR variant (2).
Genome position (GRCh38, 1-based): chr15:48,139,038, T>C. VCF-style: chr15-48139038-T-C. GRCh37 (hg19) VCF-style: chr15-48431235-T-C.
Other names: c.*3870A>G (NM_001301210.2, NM_016132.5); short protein forms I314T.
Identifiers: ClinVar variation 2171049 (VCV002171049.4), dbSNP rs2038974054, ClinGen allele CA392452755.

ClinVar aggregate classification (germline): Uncertain significance (1 of 4 stars; one submission).

Allele frequency attached by ClinVar (database versions not stated): gnomAD exomes 0.00001; TOPMed 0.00001.
gnomAD v4.1: 3 of 1,613,150 alleles (0.00019%); highest among the groups gnomAD compares: Non-Finnish European, 0.00025%; no homozygotes.

Submission:

Labcorp Genetics (formerly Invitae), Labcorp
Classification: Uncertain significance. Last evaluated: 2022-05-27. Review status: criteria provided, single submitter. Criteria: Invitae Variant Classification Sherloc (09022015). Collection method: clinical testing. Allele origin: germline.
Comment: This sequence change replaces isoleucine, which is neutral and non-polar, with threonine, which is neutral and polar, at codon 314 of the SLC24A5 protein (p.Ile314Thr). In summary, the available evidence is currently insufficient to determine the role of this variant in disease. Therefore, it has been classified as a Variant of Uncertain Significance. Algorithms developed to predict the effect of missense changes on protein structure and function are either unavailable or do not agree on the potential impact of this missense change (SIFT: "Deleterious"; PolyPhen-2: "Benign"; Align-GVGD: "Class C25"). This variant has not been reported in the literature in individuals affected with SLC24A5-related conditions. This variant is not present in population databases (gnomAD no frequency).